The following is an entry in ClinVar:

ClinVar aggregate classification (germline): Conflicting classifications of pathogenicity. Review status: criteria provided, conflicting classifications (1 of 4 stars). 4 submissions from 3 submitters: Uncertain significance (3); Likely benign (1). Last evaluated 2025-05-27.

Conditions:
Developmental and epileptic encephalopathy, 42 (DEE42A). Also called: DEVELOPMENTAL AND EPILEPTIC ENCEPHALOPATHY 42A; EPILEPTIC ENCEPHALOPATHY, EARLY INFANTILE, 42A; Epileptic encephalopathy, early infantile, 42. Identifiers: MedGen C4310716, MONDO:0014917, OMIM 617106.
Episodic ataxia type 2 (EA2). Also called: EPISODIC ATAXIA, NYSTAGMUS-ASSOCIATED; ACETAZOLAMIDE-RESPONSIVE HEREDITARY PAROXYSMAL CEREBELLAR ATAXIA; ATAXIA, EPISODIC, WITH NYSTAGMUS; ATAXIA, FAMILIAL PAROXYSMAL; CEREBELLAR ATAXIA, PAROXYSMAL, ACETAZOLAMIDE-RESPONSIVE; CEREBELLOPATHY, HEREDITARY PAROXYSMAL. Identifiers: Orphanet 97, MedGen C1720416, MONDO:0007163, OMIM 108500.
Spinocerebellar ataxia type 6 (SCA6). Identifiers: Orphanet 98758, MedGen C0752124, MONDO:0008457, OMIM 183086.
Migraine, familial hemiplegic, 1. Also called: MIGRAINE, FAMILIAL HEMIPLEGIC 1, WITH PROGRESSIVE CEREBELLAR ATAXIA. Identifiers: Orphanet 569, MedGen C1832884, MONDO:0020756, OMIM 141500, MONDO:0007714.

Allele frequency attached by ClinVar (database versions not stated): gnomAD exomes 0.00002; gnomAD 0.00001.
gnomAD v4.1: 17 of 1,351,860 alleles (0.0013%); highest among the groups gnomAD compares: South Asian, 0.035%; no homozygotes.

Submissions (4):

Labcorp Genetics (formerly Invitae), Labcorp
Classification: Likely benign for Developmental and epileptic encephalopathy, 42; Episodic ataxia type 2. Last evaluated: 2025-05-27. Review status: criteria provided, single submitter. Criteria: Invitae Variant Classification Sherloc (09022015). Collection method: clinical testing. Allele origin: germline.

GeneDx
Classification: Uncertain significance. Last evaluated: 2023-08-16. Review status: criteria provided, single submitter. Criteria: GeneDx Variant Classification Process June 2021. Collection method: clinical testing. Allele origin: germline. Affected: yes.
Comment: Not observed at significant frequency in large population cohorts (gnomAD); In silico analysis supports that this missense variant has a deleterious effect on protein structure/function; Has not been previously published as pathogenic or benign to our knowledge

Neuberg Centre For Genomic Medicine, NCGM
Classification: Uncertain significance for Migraine, familial hemiplegic, 1. Review status: criteria provided, single submitter. Criteria: ACMG Guidelines, 2015. Collection method: clinical testing. Allele origin: germline. Inheritance: Autosomal dominant inheritance. Affected: yes.

Neuberg Centre For Genomic Medicine, NCGM
Classification: Uncertain significance for Spinocerebellar ataxia type 6. Review status: criteria provided, single submitter. Criteria: ACMG Guidelines, 2015. Collection method: clinical testing. Allele origin: germline. Inheritance: Autosomal dominant inheritance. Affected: yes.
Comment: The missense c.6368G>Cp.Arg2123Pro variant in CACNA1A gene has not been reported previously as a pathogenic variant nor as a benign variant, to our knowledge. This variant is reported with the allele frequency of 0.002% in the gnomAD Exomes and novel in 1000 Genomes. This variant has been reported to the ClinVar database as Uncertain Significance. However, no details are available for independent assessment. The amino acid Arg at position 2123 is changed to a Pro changing protein sequence and it might alter its composition and physico-chemical properties. The amino acid change p.Arg2123Pro in CACNA1A is predicted as conserved by GERP++ and PhyloP across 100 vertebrates. The variant is predicted as damaging by SIFT. For these reasons, this variant has been classified as Uncertain Significance.

NM_001127222.2(CACNA1A):c.6368G>C (p.Arg2123Pro)

Gene: CACNA1A (calcium voltage-gated channel subunit alpha1 A; minus strand). Cytogenetic location: 19p13.13.
Variant type: single nucleotide variant.
Coding change: c.6368G>C on transcript NM_001127222.2 (MANE Select); coding-DNA position 6368, G replaced by C.
Protein change: p.Arg2123Pro; replaces arginine 2123 with proline.
Molecular consequence: missense variant.
Genome position (GRCh38, 1-based): chr19:13,209,470, C>G on the plus strand (G>C on the coding strand, the complement: CACNA1A is on the minus strand). VCF-style: chr19-13209470-C-G. GRCh37 (hg19) VCF-style: chr19-13320284-C-G.
Other names: c.6371G>C (NM_001127221.1); c.6386G>C, p.Arg2129Pro (NM_000068.4, NM_023035.3); c.6371G>C, p.Arg2124Pro (NM_001127221.2); c.6377G>C, p.Arg2126Pro (NM_001174080.2); short protein forms R2123P, R2124P, R2126P, R2129P.
Identifiers: ClinVar variation 1061497 (VCV001061497.12), dbSNP rs1220294928, ClinGen allele CA404331095.